The following is an entry in ClinVar:

NM_001365693.1(MGAM):c.3177G>C (p.Lys1059Asn)

Gene: MGAM (maltase-glucoamylase; plus strand). Cytogenetic location: 7q34.
Variant type: single nucleotide variant.
Coding change: c.3177G>C on transcript NM_001365693.1 (MANE Select); coding-DNA position 3177, G replaced by C.
Protein change: p.Lys1059Asn; replaces lysine 1059 with asparagine.
Molecular consequence: missense variant.
Genome position (GRCh38, 1-based): chr7:142,054,771, G>C. VCF-style: chr7-142054771-G-C. GRCh37 (hg19) VCF-style: chr7-141754571-G-C.
Other names: c.3177G>C, p.Lys1059Asn (NM_004668.3); short protein forms K1059N.
Identifiers: ClinVar variation 4987983 (VCV004987983.1).

ClinVar aggregate classification (germline): Likely benign (1 of 4 stars; one submission).

Conditions:
MGAM-related disorder. Also called: MGAM-related condition.

gnomAD v4.1: 265 of 1,613,766 alleles (0.016%); highest among the groups gnomAD compares: East Asian, 0.18%; no homozygotes.

Submission:

PreventionGenetics, part of Exact Sciences
Classification: Likely benign for MGAM-related condition. Last evaluated: 2026-02-06. Review status: criteria provided, single submitter. Criteria: ACMG Guidelines, 2015. Collection method: clinical testing. Allele origin: germline.
Comment: This variant is classified as likely benign based on ACMG/AMP sequence variant interpretation guidelines (Richards et al. 2015 PMID: 25741868, with internal and published modifications).